The following is an entry in ClinVar:

ClinVar aggregate classification (germline): Conflicting classifications of pathogenicity. Review status: criteria provided, conflicting classifications (1 of 4 stars). 5 submissions from 5 submitters: Uncertain significance (1); Likely benign (4). Last evaluated 2026-02-01.

Conditions:
Episodic ataxia type 2 (EA2). Also called: ACETAZOLAMIDE-RESPONSIVE HEREDITARY PAROXYSMAL CEREBELLAR ATAXIA; ATAXIA, EPISODIC, WITH NYSTAGMUS; ATAXIA, FAMILIAL PAROXYSMAL; CEREBELLAR ATAXIA, PAROXYSMAL, ACETAZOLAMIDE-RESPONSIVE; CEREBELLOPATHY, HEREDITARY PAROXYSMAL; EPISODIC ATAXIA, NYSTAGMUS-ASSOCIATED. Identifiers: Orphanet 97, MedGen C1720416, MONDO:0007163, OMIM 108500.
Developmental and epileptic encephalopathy, 42 (DEE42A). Also called: Epileptic encephalopathy, early infantile, 42; DEVELOPMENTAL AND EPILEPTIC ENCEPHALOPATHY 42A; EPILEPTIC ENCEPHALOPATHY, EARLY INFANTILE, 42A. Identifiers: MedGen C4310716, MONDO:0014917, OMIM 617106.

Allele frequency attached by ClinVar (database versions not stated): ExAC 0.00005; TOPMed 0.00005; gnomAD 0.00007 and 0.00008; gnomAD exomes 0.00007.
gnomAD v4.1: 62 of 1,570,842 alleles (0.0039%); highest among the groups gnomAD compares: Non-Finnish European, 0.0039%; no homozygotes.

Submissions (5):

CeGaT Center for Human Genetics Tuebingen
Classification: Likely benign. Last evaluated: 2026-02-01. Review status: criteria provided, single submitter. Criteria: CeGaT Center For Human Genetics Tuebingen Variant Classification Criteria Version 2. Collection method: clinical testing. Allele origin: germline. Affected: yes. Observed: 1 variant allele.
Comment: CACNA1A: BS2

Labcorp Genetics (formerly Invitae), Labcorp
Classification: Likely benign for Developmental and epileptic encephalopathy, 42; Episodic ataxia type 2. Last evaluated: 2025-07-30. Review status: criteria provided, single submitter. Criteria: Invitae Variant Classification Sherloc (09022015). Collection method: clinical testing. Allele origin: germline.

Athena Diagnostics
Classification: Likely benign. Last evaluated: 2025-01-16. Review status: criteria provided, single submitter. Criteria: Athena Diagnostics Criteria. Collection method: clinical testing. Allele origin: unknown.
Comment: The frequency of this variant in the general population is higher than would generally be expected for pathogenic variants in this gene. Computational tools predict this amino acid change may be benign. This variant has been seen where an alternate explanation for disease was also identified.

GeneDx
Classification: Uncertain significance. Last evaluated: 2023-09-28. Review status: criteria provided, single submitter. Criteria: GeneDx Variant Classification Process June 2021. Collection method: clinical testing. Allele origin: germline. Affected: yes.
Comment: In silico analysis supports that this missense variant does not alter protein structure/function; Has not been previously published as pathogenic or benign to our knowledge

Blueprint Genetics
Classification: Likely benign. Last evaluated: 2023-08-29. Review status: criteria provided, single submitter. Criteria: ACMG Guidelines, 2015. Collection method: clinical testing. Allele origin: germline.

NM_001127222.2(CACNA1A):c.3368G>A (p.Arg1123Gln)

Gene: CACNA1A (calcium voltage-gated channel subunit alpha1 A; minus strand). Cytogenetic location: 19p13.13.
Variant type: single nucleotide variant.
Coding change: c.3368G>A on transcript NM_001127222.2 (MANE Select); coding-DNA position 3368, G replaced by A.
Protein change: p.Arg1123Gln; replaces arginine 1123 with glutamine.
Molecular consequence: missense variant.
Genome position (GRCh38, 1-based): chr19:13,286,688, C>T on the plus strand (G>A on the coding strand, the complement: CACNA1A is on the minus strand). VCF-style: chr19-13286688-C-T. GRCh37 (hg19) VCF-style: chr19-13397502-C-T.
Other names: c.3380G>A, p.Arg1127Gln (NM_000068.4, NM_023035.3); c.3371G>A, p.Arg1124Gln (NM_001127221.2, NM_001174080.2); c.3371G>A (NM_000068.2); short protein forms R1127Q, R1123Q, R1124Q.
Identifiers: ClinVar variation 646317 (VCV000646317.16), dbSNP rs769497214, ClinGen allele CA9240348.
Genomic context (GRCh38, chr19:13,286,688, plus strand): 5'-CTATTCTCGGGGGTCTTGGGGGGGCCGGGATTGGATGGGTTCCCCGGGTTGTTGGGCGTC[C>T]GGCGGCTGGCGGCGTTCTGGGGGTTGGTGGCCATGGCAGGGATGGCCAGCATGGGGCCGG-3'
Protein context (NP_001120694.1, residues 1113-1133): ATNPQNAASR[Arg1123Gln]TPNNPGNPSN